The following is an entry in ClinVar:

ClinVar aggregate classification (germline): Pathogenic (1 of 4 stars; one submission).

Conditions:
Fabry disease. Also called: ALPHA-GALACTOSIDASE A DEFICIENCY; ANDERSON-FABRY DISEASE; CERAMIDE TRIHEXOSIDASE DEFICIENCY; GLA DEFICIENCY; HEREDITARY DYSTOPIC LIPIDOSIS; Angiokeratoma corporis diffusum. Identifiers: Orphanet 324, MedGen C0002986, MONDO:0010526, OMIM 301500, HP:0001071. Disease mechanism: Fabry disease is due to inactivating mutations in the X-linked GLA gene resulting in deficiency of the enzyme Alpha Galactosidase-A., loss of function.

Submission:

Genomenon, Inc
Classification: Pathogenic for Fabry disease. Last evaluated: 2026-09-08. Review status: criteria provided, single submitter. Criteria: Genomenon Sequence Variant Interpretation Standards - Updated. Collection method: curation. Allele origin: germline. Affected: yes.
Comment: GLA p.Arg392SerfsTer2 (c.1176_1179del) is a frameshift variant that is predicted to introduce a premature termination codon and result in a truncated or absent protein product. This variant has been observed in at least one proband with clinical features consistent with Fabry disease (PMID:32797665;11668641;10666480). Functional or patient cell studies have been reported (PMID:10666480;32797665). It is absent or not present at a significant frequency in gnomAD. In conclusion, we classify GLA p.Arg392SerfsTer2 (c.1176_1179del) as a pathogenic variant.

Literature cited by the submitters: PubMed 32797665; PubMed 11668641; PubMed 10666480.

NM_000169.3(GLA):c.1176_1179del (p.Arg392fs)

Genes: GLA (galactosidase alpha; minus strand), RPL36A-HNRNPH2 (RPL36A-HNRNPH2 readthrough; plus strand). Cytogenetic location: Xq22.1.
Variant type: Deletion.
Coding change: c.1176_1179del on transcript NM_000169.3 (MANE Select); coding-DNA positions 1176 to 1179, 4 bases deleted (GAAG; older notation c.1176_1179delGAAG).
Protein change: p.Arg392fs; shifts the reading frame from arginine 392.
Molecular consequence: frameshift variant. On other transcripts: non-coding transcript variant (3), intron variant (2).
Genome position (GRCh38, 1-based): chrX:101,397,920-101,397,923, CTTC deleted on the plus strand (GAAG on the coding strand, the reverse complement: GLA is on the minus strand); deleting any 4 consecutive bases within chrX:101,397,920-101,397,926 gives the same sequence; the c. name uses the placement nearest the transcript's 3' end. VCF-style (leftmost placement, unchanged base first): chrX-101397919-GCTTC-G. GRCh37 (hg19) VCF-style: chrX-100652907-GCTTC-G.
Other names: c.1299_1302del, p.Arg433fs (NM_001406747.1); c.300+2466_300+2469del (NM_001199973.2); c.177+6101_177+6104del (NM_001199974.2); short protein forms R392fs, R433fs.
Identifiers: ClinVar variation 4087071 (VCV004087071.2).